The following is an entry in ClinVar:

NM_001555.5(IGSF1):c.1786G>A (p.Ala596Thr)

Gene: IGSF1 (immunoglobulin superfamily member 1; minus strand). Cytogenetic location: Xq26.1.
Variant type: single nucleotide variant.
Coding change: c.1786G>A on transcript NM_001555.5 (MANE Select); coding-DNA position 1786, G replaced by A.
Protein change: p.Ala596Thr; replaces alanine 596 with threonine.
Molecular consequence: missense variant.
Genome position (GRCh38, 1-based): chrX:131,278,716, C>T on the plus strand (G>A on the coding strand, the complement: IGSF1 is on the minus strand). VCF-style: chrX-131278716-C-T. GRCh37 (hg19) VCF-style: chrX-130412690-C-T.
Other names: c.1801G>A, p.Ala601Thr (NM_001170961.2, NM_001438811.1, NM_001438814.1); c.1759G>A, p.Ala587Thr (NM_001170962.2); c.1786G>A, p.Ala596Thr (NM_001438812.1, NM_001438813.1, NM_001438815.1); short protein forms A601T, A587T, A596T.
Identifiers: ClinVar variation 4999716 (VCV004999716.1).

ClinVar aggregate classification (germline): Uncertain significance (1 of 4 stars; one submission).

Conditions:
IGSF1-related disorder. Also called: IGSF1-related condition.

Submission:

PreventionGenetics, part of Exact Sciences
Classification: Uncertain significance for IGSF1-related condition. Last evaluated: 2025-02-03. Review status: criteria provided, single submitter. Criteria: ACMG Guidelines, 2015. Collection method: clinical testing. Allele origin: germline.
Comment: The IGSF1 c.1801G>A variant is predicted to result in the amino acid substitution p.Ala601Thr. To our knowledge, this variant has not been reported in the literature or in a large population database (gnomAD), indicating this variant is rare. At this time, the clinical significance of this variant is uncertain due to the absence of conclusive functional and genetic evidence.